The following is an entry in ClinVar:

NM_001126128.2(PROK2):c.81C>A (p.Ala27=)

Gene: PROK2 (prokineticin 2; minus strand). Cytogenetic location: 3p13.
Variant type: single nucleotide variant.
Coding change: c.81C>A on transcript NM_001126128.2 (MANE Select); coding-DNA position 81, C replaced by A.
Protein change: p.Ala27=; no amino-acid change (alanine 27 retained).
Molecular consequence: synonymous variant.
Genome position (GRCh38, 1-based): chr3:71,784,972, G>T on the plus strand (C>A on the coding strand, the complement: PROK2 is on the minus strand). VCF-style: chr3-71784972-G-T. GRCh37 (hg19) VCF-style: chr3-71834123-G-T.
Other names: c.81C>A, p.Ala27= (NM_021935.4).
Identifiers: ClinVar variation 3358352 (VCV003358352.1).

ClinVar aggregate classification (germline): Likely benign (0 of 4 stars; one submission).

Conditions:
PROK2-related disorder. Also called: PROK2-related condition.

gnomAD v4.1: 26 of 1,249,120 alleles (0.0021%); highest among the groups gnomAD compares: Non-Finnish European, 0.0026%; no homozygotes.

Submission:

PreventionGenetics, part of Exact Sciences
Classification: Likely benign for PROK2-related condition. Last evaluated: 2021-07-14. Review status: no assertion criteria provided. Collection method: clinical testing. Allele origin: germline.
Comment: This variant is classified as likely benign based on ACMG/AMP sequence variant interpretation guidelines (Richards et al. 2015 PMID: 25741868, with internal and published modifications).